The following is an entry in ClinVar:

ClinVar aggregate classification (germline): Pathogenic/Likely pathogenic. Review status: criteria provided, multiple submitters, no conflicts (2 of 4 stars). 5 submissions from 5 submitters: Pathogenic (3); Likely pathogenic (1). 1 of the submissions does not count toward it. Last evaluated 2025-01-10.

Conditions:
Developmental and epileptic encephalopathy, 8 (DEE8). Also called: HYPEREKPLEXIA AND EPILEPSY. Identifiers: Orphanet 163985, Orphanet 2076, MedGen C1845102, MONDO:0010375, OMIM 300607.

Submissions (5):

Department of Neurology, Zibo Changguo Hospital
Classification: Pathogenic for Developmental and epileptic encephalopathy, 8. Last evaluated: 2025-01-10. Review status: criteria provided, single submitter. Criteria: ACMG Guidelines, 2015. Collection method: clinical testing. Allele origin: maternal. Inheritance: X-linked inheritance. Affected: yes.
Comment: PS2_Very Strong, PM5, PM2_Supporting, PP3

GeneDx
Classification: Pathogenic. Last evaluated: 2024-10-04. Review status: criteria provided, single submitter. Criteria: GeneDx Variant Classification Process June 2021. Collection method: clinical testing. Allele origin: germline. Affected: yes.
Comment: In silico analyses, including protein predictors and evolutionary conservation, support a deleterious effect; Not observed at significant frequency in large population cohorts (gnomAD); This variant is associated with the following publications: (PMID: 33057194, 35982159, 28589176, 29130122, 31035234, 32939676, 32533790)

Labcorp Genetics (formerly Invitae), Labcorp
Classification: Pathogenic for Developmental and epileptic encephalopathy, 8. Last evaluated: 2023-08-23. Review status: criteria provided, single submitter. Criteria: Invitae Variant Classification Sherloc (09022015). Collection method: clinical testing. Allele origin: germline.
Comment: For these reasons, this variant has been classified as Pathogenic. Advanced modeling of protein sequence and biophysical properties (such as structural, functional, and spatial information, amino acid conservation, physicochemical variation, residue mobility, and thermodynamic stability) has been performed at Invitae for this missense variant, however the output from this modeling did not meet the statistical confidence thresholds required to predict the impact of this variant on ARHGEF9 protein function. ClinVar contains an entry for this variant (Variation ID: 432195). This missense change has been observed in individual(s) with ARHGEF9-related conditions (PMID: 28589176, 32939676). In at least one individual the variant was observed to be de novo. This variant is not present in population databases (gnomAD no frequency). This sequence change replaces arginine, which is basic and polar, with glutamine, which is neutral and polar, at codon 104 of the ARHGEF9 protein (p.Arg104Gln).

AiLife Diagnostics
Classification: Likely pathogenic. Last evaluated: 2020-05-11. Review status: criteria provided, single submitter. Criteria: ACMG Guidelines, 2015. Collection method: clinical testing. Allele origin: de novo. Affected: yes. Observed: 1 variant allele.

Biochemical Molecular Genetic Laboratory, King Abdulaziz Medical City
Classification: Likely pathogenic for Developmental and epileptic encephalopathy, 8. Last evaluated: 2018-07-06. Review status: no assertion criteria provided. Collection method: clinical testing. Allele origin: germline. Affected: yes. Not counted in ClinVar's aggregate classification.

Literature cited by the submitters: PubMed 28589176 (cited by Labcorp Genetics (formerly Invitae), Labcorp and AiLife Diagnostics); PubMed 32939676 (cited by Labcorp Genetics (formerly Invitae), Labcorp).

NM_001353921.2(ARHGEF9):c.332G>A (p.Arg111Gln)

Gene: ARHGEF9 (Cdc42 guanine nucleotide exchange factor 9; minus strand). Cytogenetic location: Xq11.1.
Variant type: single nucleotide variant.
Coding change: c.332G>A on transcript NM_001353921.2 (MANE Select); coding-DNA position 332, G replaced by A.
Protein change: p.Arg111Gln; replaces arginine 111 with glutamine.
Molecular consequence: missense variant. On other transcripts: 5 prime UTR variant (1).
Genome position (GRCh38, 1-based): chrX:63,706,328, C>T on the plus strand (G>A on the coding strand, the complement: ARHGEF9 is on the minus strand). VCF-style: chrX-63706328-C-T. GRCh37 (hg19) VCF-style: chrX-62926208-C-T.
Other names: c.152G>A, p.Arg51Gln (NM_001173479.2); c.5G>A, p.Arg2Gln (NM_001173480.2, NM_001369042.1); c.248G>A, p.Arg83Gln (NM_001330495.2, NM_001353927.2, NM_001369033.1 and 8 more transcripts); c.332G>A, p.Arg111Gln (NM_001353922.2); c.350G>A, p.Arg117Gln (NM_001353923.1); c.131G>A, p.Arg44Gln (NM_001353924.2, NM_001353926.2, NM_001369039.1 and 1 more transcripts); c.311G>A, p.Arg104Gln (NM_001353928.2, NM_001369030.1, NM_001369031.1 and 2 more transcripts); c.-372G>A (NM_001369045.1); short protein forms R104Q, R83Q, R2Q, R117Q, R111Q, R44Q, R51Q.
Identifiers: ClinVar variation 432195 (VCV000432195.9), dbSNP rs1556401714, ClinGen allele CA413401931.